The following is an entry in ClinVar:

ClinVar aggregate classification (germline): Benign/Likely benign. Review status: criteria provided, multiple submitters, no conflicts (2 of 4 stars). 4 submissions from 4 submitters: Benign (1); Likely benign (2). 1 of the submissions does not count toward it. Last evaluated 2025-09-14.

Conditions:
Floating-Harbor syndrome (FLHS). Also called: Short stature with delayed bone age, expressive language delay, a triangular face with a prominent nose and deep-set eyes; Pelletier-Leisti syndrome; SRCAP-Related Floating-Harbor Syndrome. Identifiers: Orphanet 2044, MedGen C0729582, MONDO:0007621, OMIM 136140.
Developmental delay, hypotonia, musculoskeletal defects, and behavioral abnormalities. Identifiers: MedGen C5562012, MONDO:0859202, OMIM 619595.
SRCAP-related disorder. Also called: SRCAP-related condition.

Allele frequency attached by ClinVar (database versions not stated): ExAC 0.00017; 1000 Genomes Project 0.00100; 1000 Genomes Project 30x 0.00109.
gnomAD v4.1: 87 of 1,613,966 alleles (0.0054%); highest among the groups gnomAD compares: East Asian, 0.19%; no homozygotes.

Submissions (5):

Labcorp Genetics (formerly Invitae), Labcorp
Classification: Benign. Last evaluated: 2025-09-14. Review status: criteria provided, single submitter. Criteria: Invitae Variant Classification Sherloc (09022015). Collection method: clinical testing. Allele origin: germline.

Blueprint Genetics
Classification: Likely benign. Last evaluated: 2024-10-11. Review status: criteria provided, single submitter. Criteria: ACMG Guidelines, 2015. Collection method: clinical testing. Allele origin: germline.

Fulgent Genetics
Classification: Likely benign for Floating-Harbor syndrome; Developmental delay, hypotonia, musculoskeletal defects, and behavioral abnormalities. Last evaluated: 2022-01-04. Review status: criteria provided, single submitter. Criteria: ACMG Guidelines, 2015. Collection method: clinical testing. Allele origin: unknown.

PreventionGenetics, part of Exact Sciences
Classification: Likely benign for SRCAP-related condition. Last evaluated: 2024-04-04. Review status: no assertion criteria provided. Collection method: clinical testing. Allele origin: germline. Not counted in ClinVar's aggregate classification.
Comment: This variant is classified as likely benign based on ACMG/AMP sequence variant interpretation guidelines (Richards et al. 2015 PMID: 25741868, with internal and published modifications).

Dr. Peter K. Rogan Lab, Western University
No classification provided (evidence only). Condition: Familial cancer of breast. Review status: no classification provided. Collection method: in vitro. Allele origin: not applicable. Functional consequence: retained intron. Not counted in ClinVar's aggregate classification.

NM_006662.3(SRCAP):c.6495-5C>G

Gene: SRCAP (Snf2 related CREBBP activator protein; plus strand). Cytogenetic location: 16p11.2.
Variant type: single nucleotide variant.
Coding change: c.6495-5C>G on transcript NM_006662.3 (MANE Select); 5 bases into the intron before coding-DNA position 6495, C replaced by G.
Molecular consequence: intron variant.
Genome position (GRCh38, 1-based): chr16:30,733,889, C>G. VCF-style: chr16-30733889-C-G. GRCh37 (hg19) VCF-style: chr16-30745210-C-G.
Other names: c.6495-5C>G (NM_006662.2).
Identifiers: ClinVar variation 1664289 (VCV001664289.12), dbSNP rs189024516, ClinGen allele CA8012255.